The following is an entry in ClinVar:

ClinVar aggregate classification (germline): Conflicting classifications of pathogenicity. Review status: criteria provided, conflicting classifications (1 of 4 stars). 2 submissions from 2 submitters: Uncertain significance (1); Likely benign (1). Last evaluated 2025-11-20.

Conditions:
Inborn genetic diseases. Identifiers: MedGen C0950123, MeSH D030342.

Allele frequency attached by ClinVar (database versions not stated): 1000 Genomes Project 30x 0.00016; ExAC 0.00002; gnomAD 0.00003 and 0.00002; 1000 Genomes Project 0.00020; gnomAD exomes 0.00001; TOPMed 0.00001.
gnomAD v4.1: 29 of 1,614,034 alleles (0.0018%); highest among the groups gnomAD compares: East Asian, 0.0067%; no homozygotes.

Submissions (2):

Ambry Genetics
Classification: Likely benign for Inborn genetic diseases. Last evaluated: 2025-11-20. Review status: criteria provided, single submitter. Criteria: Ambry Variant Classification Scheme 2023. Collection method: clinical testing. Allele origin: germline.

GeneDx
Classification: Uncertain significance. Last evaluated: 2017-08-10. Review status: criteria provided, single submitter. Criteria: GeneDx Variant Classification (06012015). Collection method: clinical testing. Allele origin: germline. Affected: yes.
Comment: The I630V variant in the SIN3A gene has not been reported previously as a pathogenic variant, nor as a benign variant, to our knowledge. The I630V variant is not observed at a significant frequency in large population cohorts (Lek et al., 2016; 1000 Genomes Consortium et al., 2015; Exome Variant Server). The I630V variant is a conservative amino acid substitution, which is not likely to impact secondary protein structure as these residues share similar properties. This substitution occurs at a position that is conserved across species. In silico analysis is inconsistent in its predictions as to whether or not the variant is damaging to the protein structure/function. We interpret I630V as a variant of uncertain significance

NM_001145358.2(SIN3A):c.1888A>G (p.Ile630Val)

Gene: SIN3A (SIN3 transcription regulator family member A; minus strand). Cytogenetic location: 15q24.2.
Variant type: single nucleotide variant.
Coding change: c.1888A>G on transcript NM_001145358.2 (MANE Select); coding-DNA position 1888, A replaced by G.
Protein change: p.Ile630Val; replaces isoleucine 630 with valine.
Molecular consequence: missense variant.
Genome position (GRCh38, 1-based): chr15:75,396,463, T>C on the plus strand (A>G on the coding strand, the complement: SIN3A is on the minus strand). VCF-style: chr15-75396463-T-C. GRCh37 (hg19) VCF-style: chr15-75688804-T-C.
Other names: c.1888A>G, p.Ile630Val (NM_001145357.2, NM_015477.3); short protein forms I630V.
Identifiers: ClinVar variation 451316 (VCV000451316.3), dbSNP rs201414754, ClinGen allele CA7667559.